The following is an entry in ClinVar:

NM_005120.3(MED12):c.1631C>T (p.Ser544Leu)

Genes: MED12 (mediator complex subunit 12; plus strand), LOC126863275 (BRD4-independent group 4 enhancer GRCh37_chrX:70342400-70343599; plus strand). Cytogenetic location: Xq13.1.
Variant type: single nucleotide variant.
Coding change: c.1631C>T on transcript NM_005120.3 (MANE Select); coding-DNA position 1631, C replaced by T.
Protein change: p.Ser544Leu; replaces serine 544 with leucine.
Molecular consequence: missense variant.
Genome position (GRCh38, 1-based): chrX:71,123,607, C>T. VCF-style: chrX-71123607-C-T. GRCh37 (hg19) VCF-style: chrX-70343457-C-T.
Other names: short protein forms S544L.
Identifiers: ClinVar variation 1306318 (VCV001306318.2), dbSNP rs2147787728, ClinGen allele CA413508017.

ClinVar aggregate classification (germline): Uncertain significance (1 of 4 stars; one submission).

Submission:

GeneDx
Classification: Uncertain significance. Last evaluated: 2019-06-07. Review status: criteria provided, single submitter. Criteria: GeneDx Variant Classification Process June 2021. Collection method: clinical testing. Allele origin: germline. Affected: yes.
Comment: Not observed in large population cohorts (Lek et al., 2016); In silico analysis, which includes protein predictors and evolutionary conservation, supports a deleterious effect; Has not been previously published as pathogenic or benign to our knowledge